The following is an entry in ClinVar:

ClinVar aggregate classification (germline): Likely benign. Review status: criteria provided, single submitter (1 of 4 stars). 2 submissions from 2 submitters: Likely benign (1). 1 of the submissions does not count toward it. Last evaluated 2023-01-01.

Conditions:
CSMD1-related disorder. Also called: CSMD1-related condition.

Allele frequency attached by ClinVar (database versions not stated): 1000 Genomes Project 0.00020; 1000 Genomes Project 30x 0.00031; TOPMed 0.00091; gnomAD 0.00105; ESP Exome Variant Server 0.00152.
gnomAD v4.1: 2,886 of 1,613,268 alleles (0.18%); highest among the groups gnomAD compares: Non-Finnish European, 0.24%; 4 homozygotes.

Submissions (2):

CeGaT Center for Human Genetics Tuebingen
Classification: Likely benign. Last evaluated: 2023-01-01. Review status: criteria provided, single submitter. Criteria: CeGaT Center For Human Genetics Tuebingen Variant Classification Criteria Version 2. Collection method: clinical testing. Allele origin: germline. Affected: yes. Observed: 1 variant allele.
Comment: CSMD1: BP4, BP7

PreventionGenetics, part of Exact Sciences
Classification: Likely benign for CSMD1-related condition. Last evaluated: 2022-02-14. Review status: no assertion criteria provided. Collection method: clinical testing. Allele origin: germline. Not counted in ClinVar's aggregate classification.
Comment: This variant is classified as likely benign based on ACMG/AMP sequence variant interpretation guidelines (Richards et al. 2015 PMID: 25741868, with internal and published modifications).

NM_033225.6(CSMD1):c.1284G>A (p.Pro428=)

Gene: CSMD1 (CUB and Sushi multiple domains 1; minus strand). Cytogenetic location: 8p23.2.
Variant type: single nucleotide variant.
Coding change: c.1284G>A on transcript NM_033225.6 (MANE Select); coding-DNA position 1284, G replaced by A.
Protein change: p.Pro428=; no amino-acid change (proline 428 retained).
Molecular consequence: synonymous variant.
Genome position (GRCh38, 1-based): chr8:3,575,005, C>T on the plus strand (G>A on the coding strand, the complement: CSMD1 is on the minus strand). VCF-style: chr8-3575005-C-T. GRCh37 (hg19) VCF-style: chr8-3432527-C-T.
Other names: c.1284G>A (NM_033225.5).
Identifiers: ClinVar variation 2658346 (VCV002658346.25), dbSNP rs372720663, ClinGen allele CA4608975.